The following is an entry in ClinVar:

ClinVar aggregate classification (germline): Uncertain significance (1 of 4 stars; one submission).

Submission:

GeneDx
Classification: Uncertain significance. Last evaluated: 2024-01-19. Review status: criteria provided, single submitter. Criteria: GeneDx Variant Classification Process June 2021. Collection method: clinical testing. Allele origin: germline. Affected: yes.
Comment: Not observed at significant frequency in large population cohorts (gnomAD); In silico analysis supports that this missense variant does not alter protein structure/function; Has not been previously published as pathogenic or benign to our knowledge

NM_015559.3(SETBP1):c.3642C>A (p.His1214Gln)

Gene: SETBP1 (SET binding protein 1; plus strand). Cytogenetic location: 18q12.3.
Variant type: single nucleotide variant.
Coding change: c.3642C>A on transcript NM_015559.3 (MANE Select); coding-DNA position 3642, C replaced by A.
Protein change: p.His1214Gln; replaces histidine 1214 with glutamine.
Molecular consequence: missense variant.
Genome position (GRCh38, 1-based): chr18:44,952,982, C>A. VCF-style: chr18-44952982-C-A. GRCh37 (hg19) VCF-style: chr18-42532947-C-A.
Other names: c.3642C>A, p.His1214Gln (NM_001379141.1, NM_001379142.1, NM_001410862.1); short protein forms H1214Q.
Identifiers: ClinVar variation 3368157 (VCV003368157.1).